The following is an entry in ClinVar:

ClinVar aggregate classification (germline): Uncertain significance (1 of 4 stars; one submission).

Submission:

Labcorp Genetics (formerly Invitae), Labcorp
Classification: Uncertain significance. Last evaluated: 2021-08-18. Review status: criteria provided, single submitter. Criteria: Invitae Variant Classification Sherloc (09022015). Collection method: clinical testing. Allele origin: germline.
Comment: Algorithms developed to predict the effect of missense changes on protein structure and function are either unavailable or do not agree on the potential impact of this missense change (SIFT: "Not Available"; PolyPhen-2: "Possibly Damaging"; Align-GVGD: "Not Available"). In summary, the available evidence is currently insufficient to determine the role of this variant in disease. Therefore, it has been classified as a Variant of Uncertain Significance. This sequence change replaces glutamine with proline at codon 2553 of the UNC80 protein (p.Gln2553Pro). The glutamine residue is weakly conserved and there is a moderate physicochemical difference between glutamine and proline. This variant is not present in population databases (ExAC no frequency). This variant has not been reported in the literature in individuals affected with UNC80-related conditions.

NM_001371986.1(UNC80):c.7856A>C (p.Gln2619Pro)

Gene: UNC80 (unc-80 subunit of NALCN channel complex; plus strand). Cytogenetic location: 2q34.
Variant type: single nucleotide variant.
Coding change: c.7856A>C on transcript NM_001371986.1 (MANE Select); coding-DNA position 7856, A replaced by C.
Protein change: p.Gln2619Pro; replaces glutamine 2619 with proline.
Molecular consequence: missense variant.
Genome position (GRCh38, 1-based): chr2:209,967,487, A>C. VCF-style: chr2-209967487-A-C. GRCh37 (hg19) VCF-style: chr2-210832211-A-C.
Other names: c.7658A>C, p.Gln2553Pro (NM_032504.2); c.7643A>C, p.Gln2548Pro (NM_182587.4); short protein forms Q2548P, Q2553P, Q2619P.
Identifiers: ClinVar variation 1433908 (VCV001433908.6), dbSNP rs918114184, ClinGen allele CA350777205.
Genomic context (GRCh38, chr2:209,967,487, plus strand): 5'-TATATTTTAGGTTGGCAGAAATTGCACACTCCCTTCTGAAGCTGGCACCATATGACACTC[A>C]GACAATGGAGAGTCGTGGGCTTCGGCGCTACATCATGGAGATGCTACCCATTACTGACTG-3'
Protein context (NP_001358915.1, residues 2609-2629): SLLKLAPYDT[Gln2619Pro]TMESRGLRRY